The following is an entry in ClinVar:

NM_001252024.2(TRPM1):c.1062A>G (p.Ile354Met)

Gene: TRPM1 (transient receptor potential cation channel subfamily M member 1; minus strand). Cytogenetic location: 15q13.3.
Variant type: single nucleotide variant.
Coding change: c.1062A>G on transcript NM_001252024.2 (MANE Select); coding-DNA position 1062, A replaced by G.
Protein change: p.Ile354Met; replaces isoleucine 354 with methionine.
Molecular consequence: missense variant.
Genome position (GRCh38, 1-based): chr15:31,062,606, T>C on the plus strand (A>G on the coding strand, the complement: TRPM1 is on the minus strand). VCF-style: chr15-31062606-T-C. GRCh37 (hg19) VCF-style: chr15-31354809-T-C.
Other names: c.1113A>G, p.Ile371Met (NM_001252020.2); c.996A>G, p.Ile332Met (NM_002420.6); short protein forms I332M, I354M, I371M.
Identifiers: ClinVar variation 3346700 (VCV003346700.1).

ClinVar aggregate classification (germline): Uncertain significance (0 of 4 stars; one submission).

Conditions:
TRPM1-related disorder. Also called: TRPM1-related condition.

Submission:

PreventionGenetics, part of Exact Sciences
Classification: Uncertain significance for TRPM1-related condition. Last evaluated: 2024-05-04. Review status: no assertion criteria provided. Collection method: clinical testing. Allele origin: germline.
Comment: The TRPM1 c.1113A>G variant is predicted to result in the amino acid substitution p.Ile371Met. To our knowledge, this variant has not been reported in the literature or in a large population database, indicating this variant is rare. At this time, the clinical significance of this variant is uncertain due to the absence of conclusive functional and genetic evidence.